The following is an entry in ClinVar:

ClinVar aggregate classification (germline): Uncertain significance. Review status: criteria provided, multiple submitters, no conflicts (2 of 4 stars). 2 submissions from 2 submitters: Uncertain significance (2). Last evaluated 2025-10-03.

Conditions:
ZTTK syndrome (ZTTKS). Also called: ZTTK MULTIPLE CONGENITAL ANOMALIES-MENTAL RETARDATION SYNDROME; Zhu-Tokita-Takenouchi-Kim Syndrome. Identifiers: Orphanet 500150, MedGen C4310696, MONDO:0014936, OMIM 617140.

Allele frequency attached by ClinVar (database versions not stated): gnomAD exomes below 0.00001.
gnomAD v4.1: 7 of 1,614,072 alleles (0.00043%); highest among the groups gnomAD compares: Admixed American, 0.0017%; no homozygotes.

Submissions (2):

Labcorp Genetics (formerly Invitae), Labcorp
Classification: Uncertain significance. Last evaluated: 2025-10-03. Review status: criteria provided, single submitter. Criteria: Invitae Variant Classification Sherloc (09022015). Collection method: clinical testing. Allele origin: germline.
Comment: This sequence change replaces methionine, which is neutral and non-polar, with valine, which is neutral and non-polar, at codon 731 of the SON protein (p.Met731Val). This variant is present in population databases (no rsID available, gnomAD 0.003%). This variant has not been reported in the literature in individuals affected with SON-related conditions. ClinVar contains an entry for this variant (Variation ID: 976349). An algorithm developed to predict the effect of missense changes on protein structure and function (PolyPhen-2) suggests that this variant is likely to be tolerated. In summary, the available evidence is currently insufficient to determine the role of this variant in disease. Therefore, it has been classified as a Variant of Uncertain Significance.

Institute of Human Genetics, University of Leipzig Medical Center
Classification: Uncertain significance for ZTTK syndrome. Last evaluated: 2018-08-29. Review status: criteria provided, single submitter. Criteria: ACMG Guidelines, 2015. Collection method: clinical testing. Allele origin: germline. Affected: yes. Observed: 1 variant allele.

NM_138927.4(SON):c.2191A>G (p.Met731Val)

Gene: SON (SON DNA and RNA binding protein; plus strand). Cytogenetic location: 21q22.11.
Variant type: single nucleotide variant.
Coding change: c.2191A>G on transcript NM_138927.4 (MANE Select); coding-DNA position 2191, A replaced by G.
Protein change: p.Met731Val; replaces methionine 731 with valine.
Molecular consequence: missense variant. On other transcripts: non-coding transcript variant (1), intron variant (1).
Genome position (GRCh38, 1-based): chr21:33,551,422, A>G. VCF-style: chr21-33551422-A-G. GRCh37 (hg19) VCF-style: chr21-34923728-A-G.
Other names: c.2191A>G, p.Met731Val (NM_001291411.2, NM_032195.3); c.244+5043A>G (NM_001291412.3); short protein forms M731V.
Identifiers: ClinVar variation 976349 (VCV000976349.4), dbSNP rs1416371859, ClinGen allele CA410157254.